The following is an entry in ClinVar:

NM_001040142.2(SCN2A):c.3964G>A (p.Gly1322Arg)

Gene: SCN2A (sodium voltage-gated channel alpha subunit 2; plus strand). Cytogenetic location: 2q24.3.
Variant type: single nucleotide variant.
Coding change: c.3964G>A on transcript NM_001040142.2 (MANE Select); coding-DNA position 3964, G replaced by A.
Protein change: p.Gly1322Arg; replaces glycine 1322 with arginine.
Molecular consequence: missense variant.
Genome position (GRCh38, 1-based): chr2:165,373,339, G>A. VCF-style: chr2-165373339-G-A. GRCh37 (hg19) VCF-style: chr2-166229849-G-A.
Other names: c.3964G>A, p.Gly1322Arg (NM_001040143.2, NM_001371246.1, NM_001371247.1 and 1 more transcripts); short protein forms G1322R.
Identifiers: ClinVar variation 381961 (VCV000381961.3), dbSNP rs1057521223, ClinGen allele CA16603820.

ClinVar aggregate classification (germline): Likely pathogenic. Review status: criteria provided, multiple submitters, no conflicts (2 of 4 stars). 2 submissions from 2 submitters: Likely pathogenic (2). Last evaluated 2018-01-29.

Submissions (2):

Geisinger Autism and Developmental Medicine Institute, Geisinger Health System
Classification: Likely pathogenic. Last evaluated: 2018-01-29. Review status: criteria provided, single submitter. Criteria: ACMG Guidelines, 2015. Collection method: provider interpretation, clinical testing. Allele origin: de novo. Observed: 1 variant allele.
Comment: This variant is absent from the gnomAD database. Computational models predict it to be deleterious, and it was found to be de novo (with maternity and paternity confirmed). Other nearby missense variants have been reported in the Human Gene Mutation Database, but in association to seizures rather than intellectual disability/autism spectrum disorder.

GeneDx
Classification: Likely pathogenic. Last evaluated: 2015-12-17. Review status: criteria provided, single submitter. Criteria: GeneDx Variant Classification (06012015). Collection method: clinical testing. Allele origin: germline. Affected: yes.
Comment: The G1322R variant in the SCN2A gene has not been reported previously as a pathogenic variant, nor as a benign variant, to our knowledge. The G1322R variant was not observed in approximately 6500 individuals of European and African American ancestry in the NHLBI Exome Sequencing Project, indicating it is not a common benign variant in these populations. The G1322R variant is a non-conservative amino acid substitution, which occurs at a position that is conserved across species. In silico analysis predicts this variant is probably damaging to the protein structure/function. Missense variants in nearby residues (R1319Q, M1323V, V1326L, V1326D) have been reported in the Human Gene Mutation Database in association with SCN2A-related disorders (Stenson et al., 2014), supporting the functional importance of this region of the protein. The G1322R variant is a strong candidate for a pathogenic variant.